The following is an entry in ClinVar:

NM_144643.4(SCLT1):c.1238G>A (p.Gly413Asp)

Gene: SCLT1 (sodium channel and clathrin linker 1; minus strand). Cytogenetic location: 4q28.2.
Variant type: single nucleotide variant.
Coding change: c.1238G>A on transcript NM_144643.4 (MANE Select); coding-DNA position 1238, G replaced by A.
Protein change: p.Gly413Asp; replaces glycine 413 with aspartic acid.
Molecular consequence: missense variant.
Genome position (GRCh38, 1-based): chr4:128,948,551, C>T on the plus strand (G>A on the coding strand, the complement: SCLT1 is on the minus strand). VCF-style: chr4-128948551-C-T. GRCh37 (hg19) VCF-style: chr4-129869706-C-T.
Other names: c.1238G>A (NM_144643.2, NM_144643.3); short protein forms G413D.
Identifiers: ClinVar variation 1501996 (VCV001501996.8), dbSNP rs144200882, ClinGen allele CA3079682.

ClinVar aggregate classification (germline): Conflicting classifications of pathogenicity. Review status: criteria provided, conflicting classifications (1 of 4 stars). 4 submissions from 4 submitters: Uncertain significance (3); Likely benign (1). Last evaluated 2026-09-22.

Conditions:
SCLT1-related disorder. Also called: SCLT1-related condition.

Allele frequency attached by ClinVar (database versions not stated): 1000 Genomes Project 0.00020; 1000 Genomes Project 30x 0.00031; TOPMed 0.00039; gnomAD exomes 0.00044 and 0.00072; gnomAD 0.00051 and 0.00053; ExAC 0.00052; ESP Exome Variant Server 0.00069.
gnomAD v4.1: 1,099 of 1,606,200 alleles (0.068%); highest among the groups gnomAD compares: Non-Finnish European, 0.085%; no homozygotes.

Submissions (4):

PreventionGenetics, part of Exact Sciences
Classification: Uncertain significance for SCLT1-related condition. Last evaluated: 2026-09-22. Review status: criteria provided, single submitter. Criteria: ACMG Guidelines, 2015. Collection method: clinical testing. Allele origin: germline.
Comment: The SCLT1 c.1238G>A variant is predicted to result in the amino acid substitution p.Gly413Asp. To our knowledge, this variant has not been reported in the literature. This variant is reported in 0.089% of alleles in individuals of European (Finnish) descent in gnomAD. Although we suspect that this variant may be benign, at this time, the clinical significance of this variant is uncertain due to the absence of conclusive functional and genetic evidence.

Labcorp Genetics (formerly Invitae), Labcorp
Classification: Uncertain significance. Last evaluated: 2024-11-18. Review status: criteria provided, single submitter. Criteria: Invitae Variant Classification Sherloc (09022015). Collection method: clinical testing. Allele origin: germline.
Comment: This sequence change replaces glycine, which is neutral and non-polar, with aspartic acid, which is acidic and polar, at codon 413 of the SCLT1 protein (p.Gly413Asp). This variant is present in population databases (rs144200882, gnomAD 0.09%), and has an allele count higher than expected for a pathogenic variant. This variant has not been reported in the literature in individuals affected with SCLT1-related conditions. ClinVar contains an entry for this variant (Variation ID: 1501996). An algorithm developed to predict the effect of missense changes on protein structure and function outputs the following: PolyPhen-2: "Benign". The aspartic acid amino acid residue is found in multiple mammalian species, which suggests that this missense change does not adversely affect protein function. In summary, the available evidence is currently insufficient to determine the role of this variant in disease. Therefore, it has been classified as a Variant of Uncertain Significance.

Blueprint Genetics
Classification: Likely benign. Last evaluated: 2024-10-24. Review status: criteria provided, single submitter. Criteria: ACMG Guidelines, 2015. Collection method: clinical testing. Allele origin: germline.

Ambry Genetics
Classification: Uncertain significance. Last evaluated: 2021-06-11. Review status: criteria provided, single submitter. Criteria: Ambry Variant Classification Scheme 2023. Collection method: clinical testing. Allele origin: germline.